The following is an entry in ClinVar:

NM_000489.6(ATRX):c.2674G>A (p.Glu892Lys)

Gene: ATRX (ATRX chromatin remodeler; minus strand). Cytogenetic location: Xq21.1.
Variant type: single nucleotide variant.
Coding change: c.2674G>A on transcript NM_000489.6 (MANE Select); coding-DNA position 2674, G replaced by A.
Protein change: p.Glu892Lys; replaces glutamic acid 892 with lysine.
Molecular consequence: missense variant.
Genome position (GRCh38, 1-based): chrX:77,682,582, C>T on the plus strand (G>A on the coding strand, the complement: ATRX is on the minus strand). VCF-style: chrX-77682582-C-T. GRCh37 (hg19) VCF-style: chrX-76938074-C-T.
Other names: c.2560G>A, p.Glu854Lys (NM_138270.5); short protein forms E892K, E854K.
Identifiers: ClinVar variation 659439 (VCV000659439.9), dbSNP rs1603218994, ClinGen allele CA413711012.

ClinVar aggregate classification (germline): Uncertain significance (1 of 4 stars; one submission).

Conditions:
Alpha thalassemia-X-linked intellectual disability syndrome (ATRX). Also called: ALPHA-THALASSEMIA/IMPAIRED INTELLECTUAL DEVELOPMENT SYNDROME, X-LINKED; ALPHA-THALASSEMIA/MENTAL RETARDATION SYNDROME, X-LINKED; ATR, NONDELETION TYPE; X-linked alpha-thalassemia-mental retardation syndrome; ATR-X syndrome; Alpha thalassemia mental retardation syndrome, nondeletion type, X-linked. Identifiers: Orphanet 847, MedGen C1845055, MONDO:0010519, OMIM 301040.

Submission:

Labcorp Genetics (formerly Invitae), Labcorp
Classification: Uncertain significance for Alpha thalassemia-X-linked intellectual disability syndrome. Last evaluated: 2018-09-20. Review status: criteria provided, single submitter. Criteria: Invitae Variant Classification Sherloc (09022015). Collection method: clinical testing. Allele origin: germline.
Comment: In summary, the available evidence is currently insufficient to determine the role of this variant in disease. Therefore, it has been classified as a Variant of Uncertain Significance. Algorithms developed to predict the effect of missense changes on protein structure and function (SIFT, PolyPhen-2, Align-GVGD) all suggest that this variant is likely to be tolerated, but these predictions have not been confirmed by published functional studies and their clinical significance is uncertain. This variant has not been reported in the literature in individuals with ATRX-related disease. This variant is not present in population databases (ExAC no frequency). This sequence change replaces glutamic acid with lysine at codon 892 of the ATRX protein (p.Glu892Lys). The glutamic acid residue is weakly conserved and there is a small physicochemical difference between glutamic acid and lysine.